The following is an entry in ClinVar:

NM_032634.4(PIGO):c.2957C>A (p.Pro986His)

Gene: PIGO (phosphatidylinositol glycan anchor biosynthesis class O; minus strand). Cytogenetic location: 9p13.3.
Variant type: single nucleotide variant.
Coding change: c.2957C>A on transcript NM_032634.4 (MANE Select); coding-DNA position 2957, C replaced by A.
Protein change: p.Pro986His; replaces proline 986 with histidine.
Molecular consequence: missense variant.
Genome position (GRCh38, 1-based): chr9:35,090,178, G>T on the plus strand (C>A on the coding strand, the complement: PIGO is on the minus strand). VCF-style: chr9-35090178-G-T. GRCh37 (hg19) VCF-style: chr9-35090175-G-T.
Other names: c.1706C>A, p.Pro569His (NM_001201484.2, NM_152850.4); short protein forms P569H, P986H.
Identifiers: ClinVar variation 1470931 (VCV001470931.8), dbSNP rs1255026795, ClinGen allele CA373317810.

ClinVar aggregate classification (germline): Uncertain significance (1 of 4 stars; one submission).

Conditions:
Hyperphosphatasia with impaired intellectual development syndrome 2. Also called: Hyperphosphatasia with intellectual disability syndrome 2; GLYCOSYLPHOSPHATIDYLINOSITOL BIOSYNTHESIS DEFECT 6. Identifiers: Orphanet 247262, MedGen C3553637, MONDO:0013882, OMIM 614749.

gnomAD v4.1: 1 of 1,614,186 alleles (0.000062%); highest among the groups gnomAD compares: Non-Finnish European, 0.000085%; no homozygotes.

Submission:

Labcorp Genetics (formerly Invitae), Labcorp
Classification: Uncertain significance for Hyperphosphatasia with impaired intellectual development syndrome 2. Last evaluated: 2022-02-01. Review status: criteria provided, single submitter. Criteria: Invitae Variant Classification Sherloc (09022015). Collection method: clinical testing. Allele origin: germline.
Comment: In summary, the available evidence is currently insufficient to determine the role of this variant in disease. Therefore, it has been classified as a Variant of Uncertain Significance. Algorithms developed to predict the effect of missense changes on protein structure and function are either unavailable or do not agree on the potential impact of this missense change (SIFT: "Deleterious"; PolyPhen-2: "Possibly Damaging"; Align-GVGD: "Class C0"). This variant has not been reported in the literature in individuals affected with PIGO-related conditions. This variant is not present in population databases (gnomAD no frequency). This sequence change replaces proline, which is neutral and non-polar, with histidine, which is basic and polar, at codon 986 of the PIGO protein (p.Pro986His).